The following is an entry in ClinVar:

ClinVar aggregate classification (germline): Uncertain significance (1 of 4 stars; one submission).

Conditions:
Inborn genetic diseases. Identifiers: MedGen C0950123, MeSH D030342.

Submission:

Ambry Genetics
Classification: Uncertain significance for Inborn genetic diseases. Last evaluated: 2025-11-03. Review status: criteria provided, single submitter. Criteria: Ambry Variant Classification Scheme 2023. Collection method: clinical testing. Allele origin: germline.
Comment: The p.A416G variant (also known as c.1247C>G), located in coding exon 14 of the FANCA gene, results from a C to G substitution at nucleotide position 1247. The alanine at codon 416 is replaced by glycine, an amino acid with similar properties. This amino acid position is conserved. In addition, the in silico prediction for this alteration is inconclusive. Based on the available evidence, the clinical significance of this variant remains unclear.

NM_000135.4(FANCA):c.1247C>G (p.Ala416Gly)

Gene: FANCA (FA complementation group A; minus strand). Cytogenetic location: 16q24.3.
Variant type: single nucleotide variant.
Coding change: c.1247C>G on transcript NM_000135.4 (MANE Select); coding-DNA position 1247, C replaced by G.
Protein change: p.Ala416Gly; replaces alanine 416 with glycine.
Molecular consequence: missense variant.
Genome position (GRCh38, 1-based): chr16:89,791,515, G>C on the plus strand (C>G on the coding strand, the complement: FANCA is on the minus strand). VCF-style: chr16-89791515-G-C. GRCh37 (hg19) VCF-style: chr16-89857923-G-C.
Other names: c.1247C>G, p.Ala416Gly (NM_001286167.3); short protein forms A416G.
Identifiers: ClinVar variation 4619244 (VCV004619244.1).